The following is an entry in ClinVar:

ClinVar aggregate classification (germline): Pathogenic (1 of 4 stars; one submission).

Submission:

ISCA Site 6
Classification: Pathogenic. Last evaluated: 2011-08-12. Review status: criteria provided, single submitter. Criteria: Kaminsky et al. (Genet Med. 2011). Collection method: clinical testing. Allele origin: unknown. Affected: yes. Observed: 1 variant allele.
Comment: Copy number variation identified through the course of routine clinical cytogenomic testing in postnatal populations. Clinical assertions have been curated as described in Kaminsky et al. 2011.

GRCh38/hg38 22q11.21(chr22:18169870-21559889)x3

Genes: CLDN5 (claudin 5; minus strand), CLTCL1 (clathrin heavy chain like 1; minus strand), COMT (catechol-O-methyltransferase; plus strand), CRKL (CRK like proto-oncogene, adaptor protein; plus strand), DGCR11 (DiGeorge syndrome critical region gene 11; minus strand) and 202 more. Cytogenetic location: 22q11.21.
Variant type: copy number gain.
Change: copy number 3 (three copies instead of two) of chr22:18,169,870-21,559,889 (3.39 Mb, GRCh38 coordinates, 1-based), cytogenetic band 22q11.21.
Identifiers: ClinVar variation 58171 (VCV000058171.2).